The following is an entry in ClinVar:

ClinVar aggregate classification (germline): Uncertain significance (1 of 4 stars; one submission).

Conditions:
Developmental and epileptic encephalopathy, 11 (DEE11). Also called: Early infantile epileptic encephalopathy 11. Identifiers: Orphanet 1934, MedGen C3150987, MONDO:0013388, OMIM 613721.
Seizures, benign familial infantile, 3 (BFIS3). Also called: CONVULSIONS, BENIGN FAMILIAL INFANTILE, 3; Familial neonatal seizures. Identifiers: Orphanet 140927, Orphanet 306, MedGen C1843140, MONDO:0011904, OMIM 607745.

Submission:

Labcorp Genetics (formerly Invitae), Labcorp
Classification: Uncertain significance for Seizures, benign familial infantile, 3; Developmental and epileptic encephalopathy, 11. Last evaluated: 2025-12-13. Review status: criteria provided, single submitter. Criteria: Invitae Variant Classification Sherloc (09022015). Collection method: clinical testing. Allele origin: germline.
Comment: This sequence change replaces serine, which is neutral and polar, with alanine, which is neutral and non-polar, at codon 488 of the SCN2A protein (p.Ser488Ala). This variant is not present in population databases (gnomAD no frequency). This variant has not been reported in the literature in individuals affected with SCN2A-related conditions. Invitae Evidence Modeling of protein sequence and biophysical properties (such as structural, functional, and spatial information, amino acid conservation, physicochemical variation, residue mobility, and thermodynamic stability) has been performed for this missense variant. However, the output from this modeling did not meet the statistical confidence thresholds required to predict the impact of this variant on SCN2A protein function. In summary, the available evidence is currently insufficient to determine the role of this variant in disease. Therefore, it has been classified as a Variant of Uncertain Significance.

NM_001040142.2(SCN2A):c.1462T>G (p.Ser488Ala)

Gene: SCN2A (sodium voltage-gated channel alpha subunit 2; plus strand). Cytogenetic location: 2q24.3.
Variant type: single nucleotide variant.
Coding change: c.1462T>G on transcript NM_001040142.2 (MANE Select); coding-DNA position 1462, T replaced by G.
Protein change: p.Ser488Ala; replaces serine 488 with alanine.
Molecular consequence: missense variant.
Genome position (GRCh38, 1-based): chr2:165,315,549, T>G. VCF-style: chr2-165315549-T-G. GRCh37 (hg19) VCF-style: chr2-166172059-T-G.
Other names: c.1462T>G, p.Ser488Ala (NM_001040143.2, NM_001371246.1, NM_001371247.1 and 1 more transcripts); short protein forms S488A.
Identifiers: ClinVar variation 4783608 (VCV004783608.1).